The following is an entry in ClinVar:

NM_002087.4(GRN):c.228C>T (p.Thr76=)

Gene: GRN (granulin precursor; plus strand). Cytogenetic location: 17q21.31.
Variant type: single nucleotide variant.
Coding change: c.228C>T on transcript NM_002087.4 (MANE Select); coding-DNA position 228, C replaced by T.
Protein change: p.Thr76=; no amino-acid change (threonine 76 retained).
Molecular consequence: synonymous variant.
Genome position (GRCh38, 1-based): chr17:44,349,515, C>T. VCF-style: chr17-44349515-C-T. GRCh37 (hg19) VCF-style: chr17-42426883-C-T.
Identifiers: ClinVar variation 586219 (VCV000586219.23), dbSNP rs144736470, ClinGen allele CA8601794.

ClinVar aggregate classification (germline): Benign/Likely benign. Review status: criteria provided, multiple submitters, no conflicts (2 of 4 stars). 8 submissions from 8 submitters: Benign (2); Likely benign (5). 1 of the submissions does not count toward it. Last evaluated 2025-11-09.

Conditions:
GRN-related frontotemporal lobar degeneration with Tdp43 inclusions (FTD2). Also called: DEMENTIA, HEREDITARY DYSPHASIC DISINHIBITION; FRONTOTEMPORAL LOBAR DEGENERATION WITH UBIQUITIN-POSITIVE INCLUSIONS; FTLD-TDP, GRN-RELATED; GRN Frontotemporal Dementia; FRONTOTEMPORAL DEMENTIA WITH TDP43 INCLUSIONS, GRN-RELATED. Identifiers: Orphanet 100070, Orphanet 282, MedGen C1843792, MONDO:0011842, OMIM 607485. Disease mechanism: loss of function.
Neuronal ceroid lipofuscinosis 11. Also called: GRN-Related Neuronal Ceroid-Lipofuscinosis. Identifiers: Orphanet 314629, Orphanet 79262, MedGen C3539123, MONDO:0013866, OMIM 614706.
GRN-related disorder. Also called: GRN-related condition; GRN-related disorders.
Inborn genetic diseases. Identifiers: MedGen C0950123, MeSH D030342.

Allele frequency attached by ClinVar (database versions not stated): gnomAD exomes 0.00024; ExAC 0.00033; gnomAD 0.00082 and 0.00086; 1000 Genomes Project 30x 0.00094; 1000 Genomes Project 0.00100; TOPMed 0.00100; ESP Exome Variant Server 0.00115.

Submissions (8):

Labcorp Genetics (formerly Invitae), Labcorp
Classification: Benign for Neuronal ceroid lipofuscinosis 11; GRN-related frontotemporal lobar degeneration with Tdp43 inclusions. Last evaluated: 2025-11-09. Review status: criteria provided, single submitter. Criteria: Invitae Variant Classification Sherloc (09022015). Collection method: clinical testing. Allele origin: germline.

Women's Health and Genetics/Laboratory Corporation of America, LabCorp
Classification: Likely benign. Last evaluated: 2025-03-18. Review status: criteria provided, single submitter. Criteria: LabCorp Variant Classification Summary - May 2015. Collection method: clinical testing. Allele origin: germline.

Blueprint Genetics
Classification: Likely benign. Last evaluated: 2024-08-05. Review status: criteria provided, single submitter. Criteria: ACMG Guidelines, 2015. Collection method: clinical testing. Allele origin: germline.

GeneDx
Classification: Likely benign. Last evaluated: 2020-09-09. Review status: criteria provided, single submitter. Criteria: GeneDx Variant Classification Process June 2021. Collection method: clinical testing. Allele origin: germline. Affected: yes.
Comment: This variant is associated with the following publications: (PMID: 20020531)

Ambry Genetics
Classification: Likely benign for Inborn genetic diseases. Last evaluated: 2018-01-25. Review status: criteria provided, single submitter. Criteria: Ambry Variant Classification Scheme 2023. Collection method: clinical testing. Allele origin: germline.

Athena Diagnostics
Classification: Benign. Last evaluated: 2018-01-25. Review status: criteria provided, single submitter. Criteria: Athena Diagnostics Criteria. Collection method: clinical testing. Allele origin: germline.

Illumina Laboratory Services, Illumina
Classification: Likely benign for GRN-related frontotemporal lobar degeneration with Tdp43 inclusions. Last evaluated: 2018-01-13. Review status: criteria provided, single submitter. Criteria: ICSL Variant Classification Criteria 13 December 2019. Collection method: clinical testing. Allele origin: germline.
Comment: This variant was observed in the ICSL laboratory as part of a predisposition screen in an ostensibly healthy population. It had not been previously curated by ICSL or reported in the Human Gene Mutation Database (HGMD: prior to June 1st, 2018), and was therefore a candidate for classification through an automated scoring system. Utilizing variant allele frequency, disease prevalence and penetrance estimates, and inheritance mode, an automated score was calculated to assess if this variant is too frequent to cause the disease. Based on the score and internal cut-off values, a variant classified as likely benign is not then subjected to further curation. The score for this variant resulted in a classification of likely benign for this disease.

PreventionGenetics, part of Exact Sciences
Classification: Likely benign for GRN-related condition. Last evaluated: 2020-09-21. Review status: no assertion criteria provided. Collection method: clinical testing. Allele origin: germline. Not counted in ClinVar's aggregate classification.
Comment: This variant is classified as likely benign based on ACMG/AMP sequence variant interpretation guidelines (Richards et al. 2015 PMID: 25741868, with internal and published modifications).

Literature cited by the submitters: PubMed 20020531 (cited by Ambry Genetics and Athena Diagnostics).